The following is an entry in ClinVar:

ClinVar aggregate classification (germline): Uncertain significance (1 of 4 stars; one submission).

Conditions:
Catecholaminergic polymorphic ventricular tachycardia (CVPT). Also called: Catecholamine-induced polymorphic ventricular tachycardia. Identifiers: Orphanet 3286, MedGen C5574922, MONDO:0017990.

Submission:

All of Us Research Program, National Institutes of Health
Classification: Uncertain significance for Catecholaminergic polymorphic ventricular tachycardia. Last evaluated: 2023-10-06. Review status: criteria provided, single submitter. Criteria: ACMG Guidelines, 2015. Collection method: clinical testing. Allele origin: germline. Inheritance: Autosomal dominant inheritance. Observed: 1 variant allele, 1 heterozygote.
Comment: This missense variant replaces cysteine with tryptophan at codon 1775 of the RYR2 protein. Computational prediction suggests that this variant may not impact protein structure and function (internally defined REVEL score threshold <= 0.5, PMID: 27666373). To our knowledge, functional studies have not been reported for this variant. This variant has not been reported in individuals affected with RYR2-related disorders in the literature. This variant has not been identified in the general population by the Genome Aggregation Database (gnomAD). The available evidence is insufficient to determine the role of this variant in disease conclusively. Therefore, this variant is classified as a Variant of Uncertain Significance.

This study involves interpretation of variants in research participants for the purpose of population health screening. Participant phenotype was not available at the time of variant classification. Additional details can be found in publication PMID: 35346344, PMCID: PMC8962531

NM_001035.3(RYR2):c.5325T>G (p.Cys1775Trp)

Gene: RYR2 (ryanodine receptor 2; plus strand). Cytogenetic location: 1q43.
Variant type: single nucleotide variant.
Coding change: c.5325T>G on transcript NM_001035.3 (MANE Select); coding-DNA position 5325, T replaced by G.
Protein change: p.Cys1775Trp; replaces cysteine 1775 with tryptophan.
Molecular consequence: missense variant.
Genome position (GRCh38, 1-based): chr1:237,614,453, T>G. VCF-style: chr1-237614453-T-G. GRCh37 (hg19) VCF-style: chr1-237777753-T-G.
Other names: short protein forms C1775W.
Identifiers: ClinVar variation 3073841 (VCV003073841.1), dbSNP rs2546794211, ClinGen allele CA345404785.